The following is an entry in ClinVar:

ClinVar aggregate classification (germline): Uncertain significance. Review status: criteria provided, multiple submitters, no conflicts (2 of 4 stars). 2 submissions from 2 submitters: Uncertain significance (2). Last evaluated 2023-11-27.

Conditions:
Nephronophthisis. Also called: Juvenile Nephronophthisis. Identifiers: Orphanet 655, MedGen C0687120, MONDO:0019005, HP:0000090.

Allele frequency attached by ClinVar (database versions not stated): gnomAD exomes below 0.00001; TOPMed below 0.00001.
gnomAD v4.1: 2 of 1,614,168 alleles (0.00012%); highest among the groups gnomAD compares: Non-Finnish European, 0.00017%; no homozygotes.

Submissions (2):

Labcorp Genetics (formerly Invitae), Labcorp
Classification: Uncertain significance for Nephronophthisis. Last evaluated: 2023-11-27. Review status: criteria provided, single submitter. Criteria: Invitae Variant Classification Sherloc (09022015). Collection method: clinical testing. Allele origin: germline.
Comment: This sequence change replaces isoleucine, which is neutral and non-polar, with valine, which is neutral and non-polar, at codon 243 of the NPHP3 protein (p.Ile243Val). This variant is not present in population databases (gnomAD no frequency). This variant has not been reported in the literature in individuals affected with NPHP3-related conditions. ClinVar contains an entry for this variant (Variation ID: 595585). Advanced modeling of protein sequence and biophysical properties (such as structural, functional, and spatial information, amino acid conservation, physicochemical variation, residue mobility, and thermodynamic stability) performed at Invitae indicates that this missense variant is not expected to disrupt NPHP3 protein function with a negative predictive value of 80%. In summary, the available evidence is currently insufficient to determine the role of this variant in disease. Therefore, it has been classified as a Variant of Uncertain Significance.

Eurofins Ntd Llc (ga)
Classification: Uncertain significance. Last evaluated: 2017-12-27. Review status: criteria provided, single submitter. Criteria: EGL Classification Definitions 2015. Collection method: clinical testing. Allele origin: germline. Observed: 1 variant allele, 1 heterozygote.

NM_153240.5(NPHP3):c.727A>G (p.Ile243Val)

Genes: NPHP3 (nephrocystin 3; minus strand), NPHP3-ACAD11 (NPHP3-ACAD11 readthrough (NMD candidate); minus strand). Cytogenetic location: 3q22.1.
Variant type: single nucleotide variant.
Coding change: c.727A>G on transcript NM_153240.5 (MANE Select); coding-DNA position 727, A replaced by G.
Protein change: p.Ile243Val; replaces isoleucine 243 with valine.
Molecular consequence: missense variant. On other transcripts: non-coding transcript variant (1).
Genome position (GRCh38, 1-based): chr3:132,716,853, T>C on the plus strand (A>G on the coding strand, the complement: NPHP3 is on the minus strand). VCF-style: chr3-132716853-T-C. GRCh37 (hg19) VCF-style: chr3-132435697-T-C.
Other names: short protein forms I243V.
Identifiers: ClinVar variation 595585 (VCV000595585.9), dbSNP rs1560016174, ClinGen allele CA354586544.
Genomic context (GRCh38, chr3:132,716,853, plus strand): 5'-TAGAACTATGGGCAAACTCAGGGCCTCTGAAGGACTGCTGAAGCTGGATCATGCTTCCTA[T>C]GGAAGGTTCACTTCCCAAGGCTCCGCCAGTCCAATATTCACATTGGGTTCCAGCAGCTGT-3'
Protein context (NP_694972.3, residues 233-253): TGGALGSEPS[Ile243Val]GSMIQLQQSF